The following is an entry in ClinVar:

NM_001447.3(FAT2):c.1867C>T (p.Arg623Cys)

Gene: FAT2 (FAT atypical cadherin 2; minus strand). Cytogenetic location: 5q33.1.
Variant type: single nucleotide variant.
Coding change: c.1867C>T on transcript NM_001447.3 (MANE Select); coding-DNA position 1867, C replaced by T.
Protein change: p.Arg623Cys; replaces arginine 623 with cysteine.
Molecular consequence: missense variant.
Genome position (GRCh38, 1-based): chr5:151,567,065, G>A on the plus strand (C>T on the coding strand, the complement: FAT2 is on the minus strand). VCF-style: chr5-151567065-G-A. GRCh37 (hg19) VCF-style: chr5-150946626-G-A.
Other names: short protein forms R623C.
Identifiers: ClinVar variation 3624164 (VCV003624164.3).

ClinVar aggregate classification (germline): Uncertain significance. Review status: criteria provided, multiple submitters, no conflicts (2 of 4 stars). 2 submissions from 2 submitters: Uncertain significance (2). Last evaluated 2026-03-05.

gnomAD v4.1: 53 of 1,613,908 alleles (0.0033%); highest among the groups gnomAD compares: South Asian, 0.024%; no homozygotes.

Submissions (2):

Women's Health and Genetics/Laboratory Corporation of America, LabCorp
Classification: Uncertain significance. Last evaluated: 2026-03-05. Review status: criteria provided, single submitter. Criteria: LabCorp Variant Classification Summary - May 2015. Collection method: clinical testing. Allele origin: germline.
Comment: Variant summary: FAT2 c.1867C>T (p.Arg623Cys) results in a non-conservative amino acid change in the encoded protein sequence. Algorithms developed to predict the effect of missense changes on protein structure and function are either unavailable or do not agree on the potential impact of this missense change. The variant allele was found at a frequency of 9.1e-05 in 251406 control chromosomes. This frequency is not significantly higher than estimated for disease-causing variants in FAT2, allowing no conclusion about variant significance. To our knowledge, no occurrence of c.1867C>T in individuals affected with FAT2-related conditions and no experimental evidence demonstrating its impact on protein function have been reported. ClinVar contains an entry for this variant (Variation ID: 3624164). Based on the evidence outlined above, the variant was classified as uncertain significance.

Labcorp Genetics (formerly Invitae), Labcorp
Classification: Uncertain significance. Last evaluated: 2025-11-06. Review status: criteria provided, single submitter. Criteria: Invitae Variant Classification Sherloc (09022015). Collection method: clinical testing. Allele origin: germline.
Comment: This sequence change replaces arginine, which is basic and polar, with cysteine, which is neutral and slightly polar, at codon 623 of the FAT2 protein (p.Arg623Cys). This variant is present in population databases (rs532601126, gnomAD 0.03%). This variant has not been reported in the literature in individuals affected with FAT2-related conditions. ClinVar contains an entry for this variant (Variation ID: 3624164). An algorithm developed to predict the effect of missense changes on protein structure and function (PolyPhen-2) suggests that this variant is likely to be disruptive. In summary, the available evidence is currently insufficient to determine the role of this variant in disease. Therefore, it has been classified as a Variant of Uncertain Significance.